The following is an entry in ClinVar:

ClinVar aggregate classification (germline): Uncertain significance (1 of 4 stars; one submission).

Conditions:
Peroxisome biogenesis disorder 8B (PBD8B). Identifiers: Orphanet 44, MedGen C3553960, MONDO:0013943, OMIM 614877.

Submission:

Ozbek Human Genetics Laboratory, Izmir Biomedicine and Genome Center
Classification: Uncertain significance for Peroxisome biogenesis disorder 8B. Last evaluated: 2025-03-17. Review status: criteria provided, single submitter. Criteria: ACMG Guidelines, 2015. Collection method: research. Allele origin: unknown. Affected: yes. Observed: 1 variant allele, 1 homozygote.
Comment: A homozygous (NM_004813.4):c.111A>G (p.Ala37=) synonymous variant was detected in exon 1 of the PEX16 gene. This variant has not been previously reported in population databases (PM2). In silico algorithms (SpliceAI, Ada-RF scores) predict this variant may have a damaging effect at the protein level (PP3_moderate). Based on this information, it is classified as a Variant of Uncertain Significance (VUS) according to ACMG criteria. Data obtained via the RAREBOOST project (Horizon 2020 ERA Chairs at Izmir Biomedicine and Genome Center - IBG)

NM_004813.4(PEX16):c.111A>G (p.Ala37=)

Gene: PEX16 (peroxisomal biogenesis factor 16; minus strand). Cytogenetic location: 11p11.2.
Variant type: single nucleotide variant.
Coding change: c.111A>G on transcript NM_004813.4 (MANE Select); coding-DNA position 111, A replaced by G.
Protein change: p.Ala37=; no amino-acid change (alanine 37 retained).
Molecular consequence: synonymous variant.
Genome position (GRCh38, 1-based): chr11:45,917,701, T>C on the plus strand (A>G on the coding strand, the complement: PEX16 is on the minus strand). VCF-style: chr11-45917701-T-C. GRCh37 (hg19) VCF-style: chr11-45939252-T-C.
Other names: c.111A>G, p.Ala37= (NM_057174.3).
Identifiers: ClinVar variation 4856635 (VCV004856635.1).